The following is an entry in ClinVar:

NM_006796.3(AFG3L2):c.848G>A (p.Arg283Gln)

Gene: AFG3L2 (AFG3 like matrix AAA peptidase subunit 2; minus strand). Cytogenetic location: 18p11.21.
Variant type: single nucleotide variant.
Coding change: c.848G>A on transcript NM_006796.3 (MANE Select); coding-DNA position 848, G replaced by A.
Protein change: p.Arg283Gln; replaces arginine 283 with glutamine.
Molecular consequence: missense variant.
Genome position (GRCh38, 1-based): chr18:12,358,848, C>T on the plus strand (G>A on the coding strand, the complement: AFG3L2 is on the minus strand). VCF-style: chr18-12358848-C-T. GRCh37 (hg19) VCF-style: chr18-12358847-C-T.
Other names: p.R283Q:CGA>CAA; short protein forms R283Q.
Identifiers: ClinVar variation 214060 (VCV000214060.3), dbSNP rs758696616, ClinGen allele CA321759.

ClinVar aggregate classification (germline): Uncertain significance. Review status: criteria provided, multiple submitters, no conflicts (2 of 4 stars). 2 submissions from 2 submitters: Uncertain significance (2). Last evaluated 2022-09-02.

Allele frequency attached by ClinVar (database versions not stated): gnomAD exomes below 0.00001 and 0.00001; TOPMed below 0.00001; ExAC 0.00001; gnomAD 0.00001.
gnomAD v4.1: 9 of 1,614,134 alleles (0.00056%); highest among the groups gnomAD compares: East Asian, 0.0022%; no homozygotes.

Submissions (2):

Blueprint Genetics
Classification: Uncertain significance. Last evaluated: 2022-09-02. Review status: criteria provided, single submitter. Criteria: ACMG Guidelines, 2015. Collection method: clinical testing. Allele origin: germline.

GeneDx
Classification: Uncertain significance. Last evaluated: 2014-10-06. Review status: criteria provided, single submitter. Criteria: GeneDx Variant Classification (06012015). Collection method: clinical testing. Allele origin: germline. Affected: yes.
Comment: p.Arg283Gln (CGA>CAA): c.848 G>A in exon 8 of the AFG3L2 gene (NM_006796.2). The R283Q variant has not been published as a mutation, nor has it been reported as a benign polymorphism to our knowledge. The R283Q variant was not observed in approximately 6,500 individuals of European and African American ancestry in the NHLBI Exome Sequencing Project, indicating it is not a common benign variant in these populations. The R283Q variant is a semi-conservative amino acid substitution, which may impact secondary protein structure as these residues differ in some properties. This substitution occurs at a position that is conserved across species. In silico analysis is inconsistent in its predictions as to whether or not the variant is damaging to the protein structure/function. Therefore, based on the currently available information, it is unclear whether this variant is a pathogenic mutation or a rare benign variant. The variant is found in LSME-MITOP panel(s).